The following is an entry in ClinVar:

NM_000169.3(GLA):c.979C>T (p.Gln327Ter)

Genes: GLA (galactosidase alpha; minus strand), RPL36A-HNRNPH2 (RPL36A-HNRNPH2 readthrough; plus strand). Cytogenetic location: Xq22.1.
Variant type: single nucleotide variant.
Coding change: c.979C>T on transcript NM_000169.3 (MANE Select); coding-DNA position 979, C replaced by T.
Protein change: p.Gln327Ter; replaces glutamine 327 with a stop codon.
Molecular consequence: nonsense. On other transcripts: non-coding transcript variant (3), intron variant (2).
Genome position (GRCh38, 1-based): chrX:101,398,390, G>A on the plus strand (C>T on the coding strand, the complement: GLA is on the minus strand). VCF-style: chrX-101398390-G-A. GRCh37 (hg19) VCF-style: chrX-100653378-G-A.
Other names: c.1102C>T, p.Gln368Ter (NM_001406747.1); c.979C>T, p.Gln327Ter (NM_001406748.1); c.300+2933G>A (NM_001199973.2); c.177+6568G>A (NM_001199974.2); short protein forms Q327*, Q368*.
Identifiers: ClinVar variation 281030 (VCV000281030.9), dbSNP rs28935491, ClinGen allele CA10603787.

ClinVar aggregate classification (germline): Pathogenic/Likely pathogenic. Review status: criteria provided, multiple submitters, no conflicts (2 of 4 stars). 3 submissions from 3 submitters: Pathogenic (2); Likely pathogenic (1). Last evaluated 2026-09-08.

Conditions:
Fabry disease. Also called: Ceramide trihexosidosis; Fabry's disease; Angiokeratoma corporis diffusum; ALPHA-GALACTOSIDASE A DEFICIENCY; ANDERSON-FABRY DISEASE; CERAMIDE TRIHEXOSIDASE DEFICIENCY. Identifiers: Orphanet 324, MedGen C0002986, MONDO:0010526, OMIM 301500, HP:0001071. Disease mechanism: Fabry disease is due to inactivating mutations in the X-linked GLA gene resulting in deficiency of the enzyme Alpha Galactosidase-A., loss of function.

Submissions (3):

Genomenon, Inc
Classification: Pathogenic for Fabry disease. Last evaluated: 2026-09-08. Review status: criteria provided, single submitter. Criteria: Genomenon Sequence Variant Interpretation Standards - Updated. Collection method: curation. Allele origin: germline. Affected: yes.
Comment: GLA p.Gln327Ter (c.979C>T) is a nonsense variant that introduces a premature stop codon at amino acid position 327 and is predicted to result in a truncated or absent protein product. This variant has been observed in at least one proband with clinical features consistent with Fabry disease (PMID:32843101). Functional or patient cell studies have been reported (PMID:32843101). It is absent or not present at a significant frequency in gnomAD. In conclusion, we classify GLA p.Gln327Ter (c.979C>T) as a pathogenic variant.

Eurofins Ntd Llc (ga)
Classification: Pathogenic. Last evaluated: 2015-08-19. Review status: criteria provided, single submitter. Criteria: EGL Classification Definitions 2015. Collection method: clinical testing. Allele origin: germline. Observed: 3 variant alleles, 2 heterozygotes, 1 hemizygote.

Juno Genomics, Hangzhou Juno Genomics, Inc
Classification: Likely pathogenic for Fabry disease. Review status: criteria provided, single submitter. Criteria: ACMG Guidelines, 2015. Collection method: clinical testing. Allele origin: germline. Affected: yes.
Comment: Absent from controls (or at extremely low frequency if recessive) in Genome Aggregation Database, Exome Sequencing Project, 1000 Genomes Project, or Exome Aggregation Consortium.;Null variant in a gene where loss of function (LOF) is a known mechanism of disease.;The prevalence of the variant in affected individuals is significantly increased compared to the prevalence in controls.;Patient's phenotype or family history is highly specific for a disease with a single genetic etiology.

Literature cited by the submitters: PubMed 32843101 (cited by Genomenon, Inc).